The following is an entry in ClinVar:

ClinVar aggregate classification (germline): Benign (1 of 4 stars; one submission).

Allele frequency attached by ClinVar (database versions not stated): 1000 Genomes Project 0.07947; 1000 Genomes Project 30x 0.08182; TOPMed 0.10653; gnomAD 0.11301 and 0.11425.
gnomAD v4.1: 17,206 of 152,146 alleles (11%); highest among the groups gnomAD compares: Non-Finnish European, 16%; 1,146 homozygotes.

Submission:

GeneDx
Classification: Benign. Last evaluated: 2018-06-19. Review status: criteria provided, single submitter. Criteria: GeneDx Variant Classification (06012015). Collection method: clinical testing. Allele origin: germline. Affected: yes.
Comment: This variant is considered likely benign or benign based on one or more of the following criteria: it is a conservative change, it occurs at a poorly conserved position in the protein, it is predicted to be benign by multiple in silico algorithms, and/or has population frequency not consistent with disease.

NM_000153.4(GALC):c.583-288G>A

Gene: GALC (galactosylceramidase; minus strand). Cytogenetic location: 14q31.3.
Variant type: single nucleotide variant.
Coding change: c.583-288G>A on transcript NM_000153.4 (MANE Select); 288 bases into the intron before coding-DNA position 583, G replaced by A.
Molecular consequence: intron variant.
Genome position (GRCh38, 1-based): chr14:87,982,531, C>T on the plus strand (G>A on the coding strand, the complement: GALC is on the minus strand). VCF-style: chr14-87982531-C-T. GRCh37 (hg19) VCF-style: chr14-88448875-C-T.
Other names: c.505-288G>A (NM_001201402.2); c.514-288G>A (NM_001201401.2).
Identifiers: ClinVar variation 672026 (VCV000672026.1), dbSNP rs74563284, ClinGen allele CA264710674.